The following is an entry in ClinVar:

ClinVar aggregate classification (germline): Uncertain significance (1 of 4 stars; one submission).

Submission:

CeGaT Center for Human Genetics Tuebingen
Classification: Uncertain significance. Last evaluated: 2023-11-01. Review status: criteria provided, single submitter. Criteria: CeGaT Center For Human Genetics Tuebingen Variant Classification Criteria Version 2. Collection method: clinical testing. Allele origin: germline. Affected: yes. Observed: 1 variant allele.
Comment: TTN: PM2, BP4

NM_001267550.2(TTN):c.11312-4401G>T

Gene: TTN (titin; minus strand). Cytogenetic location: 2q31.2.
Variant type: single nucleotide variant.
Coding change: c.11312-4401G>T on transcript NM_001267550.2 (MANE Select); 4401 bases into the intron before coding-DNA position 11312, G replaced by T.
Molecular consequence: intron variant. On other transcripts: missense variant (1).
Genome position (GRCh38, 1-based): chr2:178,746,322, C>A on the plus strand (G>T on the coding strand, the complement: TTN is on the minus strand). VCF-style: chr2-178746322-C-A. GRCh37 (hg19) VCF-style: chr2-179611049-C-A.
Other names: c.16078G>T, p.Asp5360Tyr (NM_133379.5); c.10223-4401G>T (NM_003319.4); c.10799-4401G>T (NM_133437.4); c.10598-4401G>T (NM_133432.3); c.10360+6802G>T (NM_133378.4); c.10361-4401G>T (NM_001256850.1); short protein forms D5360Y.
Identifiers: ClinVar variation 2672849 (VCV002672849.23), dbSNP rs2531022695, ClinGen allele CA349631025.
Genomic context (GRCh38, chr2:178,746,322, plus strand): 5'-GAGGCATTTCAAATACTTCTAAATCAATTTTTAGTTCTTTGTCTTCTCCCTCCCTTGAAT[C>A]CATATTTGGATCTACAAAATTAAATGGAAGAACATCTAGACTCACAATCATACTTTTATG-3'